The following is an entry in ClinVar:

NC_000019.9:g.(?_13183841)_(13617038_?)del

Genes: CACNA1A (calcium voltage-gated channel subunit alpha1 A; minus strand), IER2 (immediate early response 2; plus strand), LYL1 (LYL1 basic helix-loop-helix family member; minus strand), NACC1 (nucleus accumbens associated 1; plus strand), NFIX (nuclear factor I X; plus strand) and 2 more. Cytogenetic location: 19p13.2.
Variant type: Deletion.
Identifiers: ClinVar variation 3242727 (VCV003242727.1).

ClinVar aggregate classification (germline): Uncertain significance (1 of 4 stars; one submission).

Submission:

Labcorp Genetics (formerly Invitae), Labcorp
Classification: Uncertain significance. Last evaluated: 2024-01-07. Review status: criteria provided, single submitter. Criteria: Invitae Variant Classification Sherloc (09022015). Collection method: clinical testing. Allele origin: unknown.
Comment: A gross deletion of the genomic region encompassing the full coding sequence of the NACC1 gene has been identified. The current clinical and genetic evidence is not sufficient to establish whether loss-of-function variants in NACC1 cause disease. The boundaries of this event are unknown as they extend beyond the assayed region for this gene and therefore may encompass additional genes. This variant has not been reported in the literature in individuals affected with NACC1-related conditions. In summary, the available evidence is currently insufficient to determine the role of this variant in disease. Therefore, it has been classified as a Variant of Uncertain Significance.